The following is an entry in ClinVar:

ClinVar aggregate classification (germline): Uncertain significance (1 of 4 stars; one submission).

Conditions:
Cardiovascular phenotype. Identifiers: MedGen CN230736.

gnomAD v4.1: 4 of 1,614,066 alleles (0.00025%); highest among the groups gnomAD compares: Non-Finnish European, 0.00034%; no homozygotes.

Submission:

Ambry Genetics
Classification: Uncertain significance for Cardiovascular phenotype. Last evaluated: 2026-07-02. Review status: criteria provided, single submitter. Criteria: Ambry Variant Classification Scheme 2023. Collection method: clinical testing. Allele origin: germline.
Comment: The p.L2561I variant (also known as c.7681C>A), located in coding exon 26 of the APOB gene, results from a C to A substitution at nucleotide position 7681. The leucine at codon 2561 is replaced by isoleucine, an amino acid with highly similar properties. This amino acid position is conserved. In addition, this alteration is predicted to be tolerated by in silico analysis. Based on the available evidence, the clinical significance of this variant remains unclear.

NM_000384.3(APOB):c.7681C>A (p.Leu2561Ile)

Gene: APOB (apolipoprotein B; minus strand). Cytogenetic location: 2p24.1.
Variant type: single nucleotide variant.
Coding change: c.7681C>A on transcript NM_000384.3 (MANE Select); coding-DNA position 7681, C replaced by A.
Protein change: p.Leu2561Ile; replaces leucine 2561 with isoleucine.
Molecular consequence: missense variant.
Genome position (GRCh38, 1-based): chr2:21,009,187, G>T on the plus strand (C>A on the coding strand, the complement: APOB is on the minus strand). VCF-style: chr2-21009187-G-T. GRCh37 (hg19) VCF-style: chr2-21232059-G-T.
Other names: short protein forms L2561I.
Identifiers: ClinVar variation 5027165 (VCV005027165.1).